The following is an entry in ClinVar:

ClinVar aggregate classification (germline): Likely pathogenic (1 of 4 stars; one submission).

Conditions:
ALDH18A1-related de Barsy syndrome. Also called: DE BARSY SYNDROME A; Cutis laxa, autosomal recessive IIIA. Identifiers: Orphanet 2962, Orphanet 35664, MedGen C5234852, MONDO:0009053, OMIM 219150.

Submission:

Variantyx, Inc.
Classification: Likely pathogenic for ALDH18A1-related de Barsy syndrome. Last evaluated: 2025-06-20. Review status: criteria provided, single submitter. Criteria: Variantyx Assertion Criteria 2022. Collection method: clinical testing. Allele origin: germline. Inheritance: Autosomal recessive inheritance. Affected: no.
Comment: This is a frameshift variant in the ALDH18A1 gene (OMIM: 138250). Pathogenic variants in this gene have been associated with autosomal recessive cutis laxa type IIIA. This variant introduces a premature termination codon in exon 6 out of 18 and is expected to result in loss of function, which is a known disease mechanism for ALDH18A1 in this disorder (PMID: 24913064) (PVS1). This variant is absent from control populations (PM2). Based on the current evidence, this variant is classified as likely pathogenic for autosomal recessive ALDH18A1-related disorders.

Literature cited by the submitters: PubMed 24913064.

NM_002860.4(ALDH18A1):c.707del (p.Gln236fs)

Gene: ALDH18A1 (aldehyde dehydrogenase 18 family member A1; minus strand). Cytogenetic location: 10q24.1.
Variant type: Deletion.
Coding change: c.707del on transcript NM_002860.4 (MANE Select); coding-DNA position 707, one base deleted (A; older notation c.707delA).
Protein change: p.Gln236fs; shifts the reading frame from glutamine 236.
Molecular consequence: frameshift variant.
Genome position (GRCh38, 1-based): chr10:95,633,501, T deleted on the plus strand (A on the coding strand, the reverse complement: ALDH18A1 is on the minus strand). VCF-style (leftmost placement, unchanged base first): chr10-95633500-CT-C. GRCh37 (hg19) VCF-style: chr10-97393257-CT-C.
Other names: c.707del, p.Gln236fs (NM_001017423.2, NM_001323413.2, NM_001323414.2 and 1 more transcripts); c.374del, p.Gln125fs (NM_001323412.2, NM_001323416.2, NM_001323418.2); c.602del, p.Gln201fs (NM_001323417.2); c.71del, p.Gln24fs (NM_001323419.2); short protein forms Q125fs, Q201fs, Q236fs, Q24fs.
Identifiers: ClinVar variation 4850212 (VCV004850212.1).